The following is an entry in ClinVar:

ClinVar aggregate classification (germline): Uncertain significance (1 of 4 stars; one submission).

Submission:

GeneDx
Classification: Uncertain significance. Last evaluated: 2023-12-29. Review status: criteria provided, single submitter. Criteria: GeneDx Variant Classification Process June 2021. Collection method: clinical testing. Allele origin: germline. Affected: yes.
Comment: Has not been previously published as pathogenic or benign to our knowledge; Not observed at significant frequency in large population cohorts (gnomAD); At the protein level, in silico analysis supports that this missense variant has a deleterious effect on protein structure/function; At the mRNA level, in silico analysis suggests this variant may impact gene splicing. In the absence of RNA/functional studies, the actual effect of this sequence change is unknown.

NM_017617.5(NOTCH1):c.3785A>G (p.Glu1262Gly)

Gene: NOTCH1 (notch receptor 1; minus strand). Cytogenetic location: 9q34.3.
Variant type: single nucleotide variant.
Coding change: c.3785A>G on transcript NM_017617.5 (MANE Select); coding-DNA position 3785, A replaced by G.
Protein change: p.Glu1262Gly; replaces glutamic acid 1262 with glycine.
Molecular consequence: missense variant.
Genome position (GRCh38, 1-based): chr9:136,506,832, T>C on the plus strand (A>G on the coding strand, the complement: NOTCH1 is on the minus strand). VCF-style: chr9-136506832-T-C. GRCh37 (hg19) VCF-style: chr9-139401284-T-C.
Other names: short protein forms E1262G.
Identifiers: ClinVar variation 3367349 (VCV003367349.1).
Genomic context (GRCh38, chr9:136,506,832, plus strand): 5'-TGGGTGCCACGGGCGTCGCAGGGATTGGACAGGCACTCGTTGACATCCCCCTCACAGCGC[T>C]CACCCACGAAGCCCGGCGGGCAGGTGCAGCTGTAGCCGCCCACCTGGTCCACGCAGGTGC-3'
Protein context (NP_060087.3, residues 1252-1272): SCTCPPGFVG[Glu1262Gly]RCEGDVNECL